The following is an entry in ClinVar:

NM_000535.7(PMS2):c.24-3T>C

Gene: PMS2 (PMS1 homolog 2, mismatch repair system component; minus strand). Cytogenetic location: 7p22.1.
Variant type: single nucleotide variant.
Coding change: c.24-3T>C on transcript NM_000535.7 (MANE Select); 3 bases into the intron before coding-DNA position 24, T replaced by C.
Molecular consequence: intron variant.
Genome position (GRCh38, 1-based): chr7:6,006,034, A>G on the plus strand (T>C on the coding strand, the complement: PMS2 is on the minus strand). VCF-style: chr7-6006034-A-G. GRCh37 (hg19) VCF-style: chr7-6045665-A-G.
Other names: c.-52-1976T>C (NM_001322008.2); c.-242-1976T>C (NM_001322010.2, NM_001322004.2); c.-377-8T>C (NM_001322013.2, NM_001322003.2, NM_001322009.2); c.-856-8T>C (NM_001322012.2); c.-456-8T>C (NM_001322015.2); c.-192-3T>C (NM_001322007.2); c.-861-3T>C (NM_001322011.2); c.24-3T>C (NM_001322006.2, NM_001322014.2); and 1 more.
Identifiers: ClinVar variation 237907 (VCV000237907.20), dbSNP rs749485884, ClinGen allele CA048185.
Genomic context (GRCh38, chr7:6,006,034, plus strand): 5'-GCAAATCTGATGGACTGACTTCCGATCAATAGGTTTGATGGCCTTAGCAGGTTCTGTACT[A>G]GAGAAATCAGTTACAAGAAACAAATCAAGTATTCAGCTATATATTTTCATCCTGATTTTA-3'

ClinVar aggregate classification (germline): Conflicting classifications of pathogenicity. Review status: criteria provided, conflicting classifications (1 of 4 stars). 7 submissions from 7 submitters: Uncertain significance (2); Likely benign (5). Last evaluated 2025-05-12.

Conditions:
Hereditary cancer-predisposing syndrome. Also called: Neoplastic Syndromes, Hereditary; Hereditary Cancer Syndrome; Tumor predisposition; Hereditary neoplastic syndrome. Identifiers: Orphanet 140162, MedGen C0027672, MeSH D009386, MONDO:0015356.
Lynch syndrome 4 (LYNCH4). Also called: Hereditary non-polyposis colorectal cancer, type 4; Colorectal cancer, hereditary nonpolyposis, type 4. Identifiers: Orphanet 144, MedGen C1838333, MONDO:0013699, OMIM 614337. Disease mechanism: loss of function.
Hereditary nonpolyposis colorectal neoplasms. Identifiers: MedGen C0009405, MeSH D003123.

Allele frequency attached by ClinVar (database versions not stated): ExAC 0.00001; gnomAD exomes 0.00002.
gnomAD v4.1: 9 of 1,610,628 alleles (0.00056%); highest among the groups gnomAD compares: East Asian, 0.02%; no homozygotes.

Submissions (7):

Labcorp Genetics (formerly Invitae), Labcorp
Classification: Likely benign for Hereditary nonpolyposis colorectal neoplasms. Last evaluated: 2025-05-12. Review status: criteria provided, single submitter. Criteria: Invitae Variant Classification Sherloc (09022015). Collection method: clinical testing. Allele origin: germline.

Quest Diagnostics Nichols Institute San Juan Capistrano
Classification: Uncertain significance. Last evaluated: 2025-01-31. Review status: criteria provided, single submitter. Criteria: Quest Diagnostics criteria. Collection method: clinical testing. Allele origin: unknown.
Comment: The PMS2 c.24-3T>C variant has not been reported in individuals with PMS2-related conditions in the published literature. The frequency of this variant in the general population (Genome Aggregation Database) is uninformative in the assessment of its pathogenicity. Analysis of this variant using software algorithms for the prediction of the effect of nucleotide changes on splicing yielded predictions that this variant does not affect PMS2 mRNA splicing. Based on the available information, we are unable to determine the clinical significance of this variant.

Myriad Genetics, Inc.
Classification: Likely benign for Lynch syndrome 4. Last evaluated: 2025-01-23. Review status: criteria provided, single submitter. Criteria: Myriad Autosomal Dominant, Autosomal Recessive and X-Linked Classification Criteria (2023). Collection method: clinical testing. Allele origin: unknown.
Comment: This variant is considered likely benign. This variant is intronic and is not expected to impact mRNA splicing.

Ambry Genetics
Classification: Uncertain significance for Hereditary cancer-predisposing syndrome. Last evaluated: 2025-01-15. Review status: criteria provided, single submitter. Criteria: Ambry Variant Classification Scheme 2023. Collection method: clinical testing. Allele origin: germline.
Comment: The c.24-3T>C intronic variant results from a T to C substitution 3 nucleotides upstream from coding exon 2 in the PMS2 gene. This nucleotide position is not well conserved in available vertebrate species. In silico splice site analysis predicts that this alteration will not have any significant effect on splicing; however, direct evidence is insufficient at this time (Ambry internal data). Based on the available evidence, the clinical significance of this variant remains unclear.

Blueprint Genetics
Classification: Likely benign. Last evaluated: 2024-01-17. Review status: criteria provided, single submitter. Criteria: ACMG Guidelines, 2015. Collection method: clinical testing. Allele origin: germline.

GeneDx
Classification: Likely benign. Last evaluated: 2018-05-25. Review status: criteria provided, single submitter. Criteria: GeneDx Variant Classification (06012015). Collection method: clinical testing. Allele origin: germline. Affected: yes.
Comment: This variant is considered likely benign or benign based on one or more of the following criteria: it is a conservative change, it occurs at a poorly conserved position in the protein, it is predicted to be benign by multiple in silico algorithms, and/or has population frequency not consistent with disease.

Color Diagnostics, LLC DBA Color Health
Classification: Likely benign for Hereditary cancer-predisposing syndrome. Last evaluated: 2017-05-29. Review status: criteria provided, single submitter. Criteria: ACMG Guidelines, 2015. Collection method: clinical testing. Allele origin: germline.

Literature cited by the submitters: PubMed 34897210 (cited by Quest Diagnostics Nichols Institute San Juan Capistrano).